The following is an entry in ClinVar:

ClinVar aggregate classification (germline): Uncertain significance (1 of 4 stars; one submission).

Conditions:
Pyruvate dehydrogenase E2 deficiency (PDHDD). Also called: LACTIC ACIDEMIA DUE TO DEFECT OF E2 LIPOYL TRANSACETYLASE OF THE PYRUVATE DEHYDROGENASE COMPLEX; Dihydrolipoamide Acetyltransferase (E2) Deficiency. Identifiers: Orphanet 765, Orphanet 79244, MedGen C1855565, MONDO:0009502, OMIM 245348.

Allele frequency attached by ClinVar (database versions not stated): gnomAD exomes below 0.00001; TOPMed below 0.00001; gnomAD 0.00001.
gnomAD v4.1: 4 of 1,614,110 alleles (0.00025%); highest among the groups gnomAD compares: African/African-American, 0.004%; no homozygotes.

Submission:

Labcorp Genetics (formerly Invitae), Labcorp
Classification: Uncertain significance for Pyruvate dehydrogenase E2 deficiency. Last evaluated: 2021-02-15. Review status: criteria provided, single submitter. Criteria: Invitae Variant Classification Sherloc (09022015). Collection method: clinical testing. Allele origin: germline.
Comment: This sequence change replaces isoleucine with valine at codon 300 of the DLAT protein (p.Ile300Val). The isoleucine residue is moderately conserved and there is a small physicochemical difference between isoleucine and valine. This variant is not present in population databases (ExAC no frequency). In summary, the available evidence is currently insufficient to determine the role of this variant in disease. Therefore, it has been classified as a Variant of Uncertain Significance. Advanced modeling of protein sequence and biophysical properties (such as structural, functional, and spatial information, amino acid conservation, physicochemical variation, residue mobility, and thermodynamic stability) performed at Invitae indicates that this missense variant is not expected to disrupt DLAT protein function. This variant has not been reported in the literature in individuals with DLAT-related conditions.

NM_001931.5(DLAT):c.898A>G (p.Ile300Val)

Gene: DLAT (dihydrolipoamide S-acetyltransferase; plus strand). Cytogenetic location: 11q23.1.
Variant type: single nucleotide variant.
Coding change: c.898A>G on transcript NM_001931.5 (MANE Select); coding-DNA position 898, A replaced by G.
Protein change: p.Ile300Val; replaces isoleucine 300 with valine.
Molecular consequence: missense variant. On other transcripts: intron variant (2).
Genome position (GRCh38, 1-based): chr11:112,037,383, A>G. VCF-style: chr11-112037383-A-G. GRCh37 (hg19) VCF-style: chr11-111908107-A-G.
Other names: c.898A>G, p.Ile300Val (NM_001372031.1, NM_001372032.1, NM_001372033.1 and 1 more transcripts); c.865A>G, p.Ile289Val (NM_001372034.1); c.772A>G, p.Ile258Val (NM_001372036.1); c.730A>G, p.Ile244Val (NM_001372037.1); c.619A>G, p.Ile207Val (NM_001372038.1); c.517A>G, p.Ile173Val (NM_001372040.1); c.436A>G, p.Ile146Val (NM_001372042.1); c.661-1861A>G (NM_001372039.1, NM_001372041.1); short protein forms I146V, I173V, I289V, I300V, I258V, I207V, I244V.
Identifiers: ClinVar variation 1377489 (VCV001377489.8), dbSNP rs1198304536, ClinGen allele CA382608200.
Genomic context (GRCh38, chr11:112,037,383, plus strand): 5'-GGCACAAGAGATGTCCCTCTAGGAACCCCACTCTGTATCATTGTAGAAAAAGAGGCAGAT[A>G]TATCAGCATTTGCTGACTATAGGCCAACCGAAGTAACAGATTTAAAACCACAAGTGCCAC-3'
Protein context (NP_001922.2, residues 290-310): LCIIVEKEAD[Ile300Val]SAFADYRPTE